The following is an entry in ClinVar:

NM_005559.4(LAMA1):c.5435A>G (p.Gln1812Arg)

Gene: LAMA1 (laminin subunit alpha 1; minus strand). Cytogenetic location: 18p11.31.
Variant type: single nucleotide variant.
Coding change: c.5435A>G on transcript NM_005559.4 (MANE Select); coding-DNA position 5435, A replaced by G.
Protein change: p.Gln1812Arg; replaces glutamine 1812 with arginine.
Molecular consequence: missense variant.
Genome position (GRCh38, 1-based): chr18:6,985,588, T>C on the plus strand (A>G on the coding strand, the complement: LAMA1 is on the minus strand). VCF-style: chr18-6985588-T-C. GRCh37 (hg19) VCF-style: chr18-6985587-T-C.
Other names: short protein forms Q1812R.
Identifiers: ClinVar variation 1395918 (VCV001395918.6), dbSNP rs775571936, ClinGen allele CA8881600.

ClinVar aggregate classification (germline): Uncertain significance (1 of 4 stars; one submission).

Allele frequency attached by ClinVar (database versions not stated): gnomAD 0.00001 and 0.00002; gnomAD exomes 0.00002; TOPMed 0.00002; ExAC 0.00003.
gnomAD v4.1: 7 of 1,614,052 alleles (0.00043%); highest among the groups gnomAD compares: Admixed American, 0.005%; no homozygotes.

Submission:

Labcorp Genetics (formerly Invitae), Labcorp
Classification: Uncertain significance. Last evaluated: 2024-10-22. Review status: criteria provided, single submitter. Criteria: Invitae Variant Classification Sherloc (09022015). Collection method: clinical testing. Allele origin: germline.
Comment: This sequence change replaces glutamine, which is neutral and polar, with arginine, which is basic and polar, at codon 1812 of the LAMA1 protein (p.Gln1812Arg). This variant is present in population databases (rs775571936, gnomAD 0.009%). This variant has not been reported in the literature in individuals affected with LAMA1-related conditions. ClinVar contains an entry for this variant (Variation ID: 1395918). An algorithm developed to predict the effect of missense changes on protein structure and function outputs the following: PolyPhen-2: "Benign". The arginine amino acid residue is found in multiple mammalian species, which suggests that this missense change does not adversely affect protein function. In summary, the available evidence is currently insufficient to determine the role of this variant in disease. Therefore, it has been classified as a Variant of Uncertain Significance.